The following is an entry in ClinVar:

NM_021830.5(TWNK):c.913G>A (p.Val305Ile)

Gene: TWNK (twinkle mtDNA helicase; plus strand). Cytogenetic location: 10q24.31.
Variant type: single nucleotide variant.
Coding change: c.913G>A on transcript NM_021830.5 (MANE Select); coding-DNA position 913, G replaced by A.
Protein change: p.Val305Ile; replaces valine 305 with isoleucine.
Molecular consequence: missense variant. On other transcripts: non-coding transcript variant (4), intron variant (3).
Genome position (GRCh38, 1-based): chr10:100,989,123, G>A. VCF-style: chr10-100989123-G-A. GRCh37 (hg19) VCF-style: chr10-102748880-G-A.
Other names: c.913G>A, p.Val305Ile (NM_001163812.2); c.-119-521G>A (NM_001163814.2, NM_001163813.2); c.-57-583G>A (NM_001368275.1); short protein forms V305I.
Identifiers: ClinVar variation 880052 (VCV000880052.7), dbSNP rs753457416, ClinGen allele CA212963101.

ClinVar aggregate classification (germline): Uncertain significance. Review status: criteria provided, multiple submitters, no conflicts (2 of 4 stars). 5 submissions from 2 submitters: Uncertain significance (5). Last evaluated 2023-08-05.

Conditions:
Infantile onset spinocerebellar ataxia (MTDPS7). Also called: OHAHA SYNDROME; SPINOCEREBELLAR ATAXIA, INFANTILE, WITH SENSORY NEUROPATHY; Mitochondrial DNA depletion syndrome 7 (hepatocerebral type); OPHTHALMOPLEGIA, HYPOTONIA, ATAXIA, HYPOACUSIS, AND ATHETOSIS. Identifiers: Orphanet 1186, MedGen C1849096, MONDO:0010060, OMIM 271245.
Sensory ataxic neuropathy, dysarthria, and ophthalmoparesis (SANDO). Also called: Sensory ataxic neuropathy-dysarthria-ophthalmoparesis syndrome; Epilepsy, progressive myoclonic, type 5; SENSORY ATAXIC NEUROPATHY WITH MITOCHONDRIAL DNA DELETIONS, AUTOSOMAL RECESSIVE; Ataxia Neuropathy Spectrum (ANS). Identifiers: Orphanet 70595, MedGen C1843851, MONDO:0011835, OMIM 607459.
Progressive external ophthalmoplegia with mitochondrial DNA deletions, autosomal dominant 3. Also called: PROGRESSIVE EXTERNAL OPHTHALMOPLEGIA, AUTOSOMAL DOMINANT 3. Identifiers: MedGen C1836439, MONDO:0012241, OMIM 609286.
Autosomal recessive cerebellar ataxia. Also called: Spinocerebellar ataxia, autosomal recessive; Spinocerebellar Ataxia, Recessive. Identifiers: Orphanet 1172, MedGen C5575375, MONDO:0015244.

Allele frequency attached by ClinVar (database versions not stated): gnomAD 0.00001; TOPMed 0.00002.
gnomAD v4.1: 7 of 1,612,054 alleles (0.00043%); highest among the groups gnomAD compares: African/African-American, 0.008%; no homozygotes.

Submissions (5):

Labcorp Genetics (formerly Invitae), Labcorp
Classification: Uncertain significance. Last evaluated: 2023-08-05. Review status: criteria provided, single submitter. Criteria: Invitae Variant Classification Sherloc (09022015). Collection method: clinical testing. Allele origin: germline.
Comment: ClinVar contains an entry for this variant (Variation ID: 880052). Advanced modeling of protein sequence and biophysical properties (such as structural, functional, and spatial information, amino acid conservation, physicochemical variation, residue mobility, and thermodynamic stability) performed at Invitae indicates that this missense variant is not expected to disrupt TWNK protein function. In summary, the available evidence is currently insufficient to determine the role of this variant in disease. Therefore, it has been classified as a Variant of Uncertain Significance. This variant has not been reported in the literature in individuals affected with TWNK-related conditions. This sequence change replaces valine, which is neutral and non-polar, with isoleucine, which is neutral and non-polar, at codon 305 of the TWNK protein (p.Val305Ile). This variant is not present in population databases (gnomAD no frequency).

Illumina Laboratory Services, Illumina
Classification: Uncertain significance for Sensory ataxic neuropathy-dysarthria-ophthalmoparesis syndrome. Last evaluated: 2018-01-13. Review status: criteria provided, single submitter. Criteria: ICSL Variant Classification Criteria 13 December 2019. Collection method: clinical testing. Allele origin: germline.

Illumina Laboratory Services, Illumina
Classification: Uncertain significance for Autosomal recessive cerebellar ataxia. Last evaluated: 2018-01-13. Review status: criteria provided, single submitter. Criteria: ICSL Variant Classification Criteria 13 December 2019. Collection method: clinical testing. Allele origin: germline.

Illumina Laboratory Services, Illumina
Classification: Uncertain significance for Progressive external ophthalmoplegia with mitochondrial DNA deletions, autosomal dominant 3. Last evaluated: 2018-01-13. Review status: criteria provided, single submitter. Criteria: ICSL Variant Classification Criteria 13 December 2019. Collection method: clinical testing. Allele origin: germline.

Illumina Laboratory Services, Illumina
Classification: Uncertain significance for Infantile onset spinocerebellar ataxia. Last evaluated: 2018-01-13. Review status: criteria provided, single submitter. Criteria: ICSL Variant Classification Criteria 13 December 2019. Collection method: clinical testing. Allele origin: germline.